The following is an entry in ClinVar:

NM_018699.4(PRDM5):c.1698G>A (p.Thr566=)

Gene: PRDM5 (PR/SET domain 5; minus strand). Cytogenetic location: 4q27.
Variant type: single nucleotide variant.
Coding change: c.1698G>A on transcript NM_018699.4 (MANE Select); coding-DNA position 1698, G replaced by A.
Protein change: p.Thr566=; no amino-acid change (threonine 566 retained).
Molecular consequence: synonymous variant. On other transcripts: 3 prime UTR variant (1), intron variant (1).
Genome position (GRCh38, 1-based): chr4:120,710,339, C>T on the plus strand (G>A on the coding strand, the complement: PRDM5 is on the minus strand). VCF-style: chr4-120710339-C-T. GRCh37 (hg19) VCF-style: chr4-121631494-C-T.
Other names: c.1605G>A, p.Thr535= (NM_001300823.2); c.*13G>A (NM_001300824.2); c.1731G>A, p.Thr577= (NM_001379104.1); c.1531-15064G>A (NM_001379106.1).
Identifiers: ClinVar variation 1566577 (VCV001566577.38), dbSNP rs764095834, ClinGen allele CA3060971.

ClinVar aggregate classification (germline): Conflicting classifications of pathogenicity. Review status: criteria provided, conflicting classifications (1 of 4 stars). 4 submissions from 4 submitters: Uncertain significance (1); Likely benign (3). Last evaluated 2026-01-19.

Conditions:
Cardiovascular phenotype. Identifiers: MedGen CN230736.
Ehlers-Danlos syndrome (EDS). Identifiers: Orphanet 98249, MedGen C0013720, MONDO:0020066.

gnomAD v4.1: 53 of 1,613,868 alleles (0.0033%); highest among the groups gnomAD compares: South Asian, 0.011%; no homozygotes.

Submissions (4):

Labcorp Genetics (formerly Invitae), Labcorp
Classification: Likely benign. Last evaluated: 2026-01-19. Review status: criteria provided, single submitter. Criteria: Invitae Variant Classification Sherloc (09022015). Collection method: clinical testing. Allele origin: germline.

CeGaT Center for Human Genetics Tuebingen
Classification: Likely benign. Last evaluated: 2023-03-01. Review status: criteria provided, single submitter. Criteria: CeGaT Center For Human Genetics Tuebingen Variant Classification Criteria Version 2. Collection method: clinical testing. Allele origin: germline. Affected: yes. Observed: 1 variant allele.
Comment: PRDM5: BP4, BP7

Ambry Genetics
Classification: Likely benign for Cardiovascular phenotype. Last evaluated: 2021-03-06. Review status: criteria provided, single submitter. Criteria: Ambry Variant Classification Scheme 2023. Collection method: clinical testing. Allele origin: germline.

Genome Diagnostics Laboratory, The Hospital for Sick Children
Classification: Uncertain significance for Ehlers-Danlos syndrome. Last evaluated: 2020-07-15. Review status: criteria provided, single submitter. Criteria: ACMG Guidelines, 2015. Collection method: clinical testing. Allele origin: germline.